The following is an entry in ClinVar:

ClinVar aggregate classification (germline): Uncertain significance (1 of 4 stars; one submission).

Allele frequency attached by ClinVar (database versions not stated): gnomAD exomes below 0.00001.

Submission:

Labcorp Genetics (formerly Invitae), Labcorp
Classification: Uncertain significance. Last evaluated: 2023-04-06. Review status: criteria provided, single submitter. Criteria: Invitae Variant Classification Sherloc (09022015). Collection method: clinical testing. Allele origin: germline.
Comment: Advanced modeling of protein sequence and biophysical properties (such as structural, functional, and spatial information, amino acid conservation, physicochemical variation, residue mobility, and thermodynamic stability) performed at Invitae indicates that this missense variant is expected to disrupt ERBB2 protein function. This sequence change replaces glutamic acid, which is acidic and polar, with lysine, which is basic and polar, at codon 892 of the ERBB2 protein (p.Glu892Lys). This variant is not present in population databases (gnomAD no frequency). This variant has not been reported in the literature in individuals affected with ERBB2-related conditions. In summary, the available evidence is currently insufficient to determine the role of this variant in disease. Therefore, it has been classified as a Variant of Uncertain Significance.

NM_004448.4(ERBB2):c.2674G>A (p.Glu892Lys)

Gene: ERBB2 (erb-b2 receptor tyrosine kinase 2; plus strand). Cytogenetic location: 17q12.
Variant type: single nucleotide variant.
Coding change: c.2674G>A on transcript NM_004448.4 (MANE Select); coding-DNA position 2674, G replaced by A.
Protein change: p.Glu892Lys; replaces glutamic acid 892 with lysine.
Molecular consequence: missense variant. On other transcripts: non-coding transcript variant (1), intron variant (1).
Genome position (GRCh38, 1-based): chr17:39,725,351, G>A. VCF-style: chr17-39725351-G-A. GRCh37 (hg19) VCF-style: chr17-37881604-G-A.
Other names: c.2776G>A, p.Glu926Lys (NM_001382785.1); c.2755G>A, p.Glu919Lys (NM_001382786.1); c.2749G>A, p.Glu917Lys (NM_001382787.1); c.2704G>A, p.Glu902Lys (NM_001382788.1); c.2695G>A, p.Glu899Lys (NM_001382789.1); c.2671G>A, p.Glu891Lys (NM_001382790.1); c.2665G>A, p.Glu889Lys (NM_001382791.1); c.2638G>A, p.Glu880Lys (NM_001382792.1); and 15 more; short protein forms E616K, E830K, E877K, E891K, E926K, E546K, E859K, E862K.
Identifiers: ClinVar variation 2852395 (VCV002852395.3), dbSNP rs2145875124, ClinGen allele CA399305457.
Genomic context (GRCh38, chr17:39,725,351, plus strand): 5'-CACACAGTTGGAGGACTTCCTCTTCTGCCCTCCCAGGTGCCCATCAAGTGGATGGCGCTG[G>A]AGTCCATTCTCCGCCGGCGGTTCACCCACCAGAGTGATGTGTGGAGTTATGGTGTGTGAT-3'
Protein context (NP_004439.2, residues 882-902): GKVPIKWMAL[Glu892Lys]SILRRRFTHQ